The following is an entry in ClinVar:

NM_015374.3(SUN2):c.269A>G (p.His90Arg)

Gene: SUN2 (Sad1 and UNC84 domain containing 2; minus strand). Cytogenetic location: 22q13.1.
Variant type: single nucleotide variant.
Coding change: c.269A>G on transcript NM_015374.3 (MANE Select); coding-DNA position 269, A replaced by G.
Protein change: p.His90Arg; replaces histidine 90 with arginine.
Molecular consequence: missense variant.
Genome position (GRCh38, 1-based): chr22:38,751,227, T>C on the plus strand (A>G on the coding strand, the complement: SUN2 is on the minus strand). VCF-style: chr22-38751227-T-C. GRCh37 (hg19) VCF-style: chr22-39147232-T-C.
Other names: c.269A>G, p.His90Arg (NM_001199579.2, NM_001199580.2); short protein forms H90R.
Identifiers: ClinVar variation 840459 (VCV000840459.9), dbSNP rs2092943342, ClinGen allele CA411587138.

ClinVar aggregate classification (germline): Uncertain significance (1 of 4 stars; one submission).

Conditions:
Emery-Dreifuss muscular dystrophy (EDMD). Also called: Scapuloperoneal syndrome, X-linked (formerly); Humeroperoneal neuromuscular disease, (formerly). Identifiers: Orphanet 261, MedGen C0410189, MONDO:0016830.

Allele frequency attached by ClinVar (database versions not stated): gnomAD exomes below 0.00001; gnomAD 0.00001.
gnomAD v4.1: 1 of 1,613,162 alleles (0.000062%); highest among the groups gnomAD compares: African/African-American, 0.0013%; no homozygotes.

Submission:

Labcorp Genetics (formerly Invitae), Labcorp
Classification: Uncertain significance for Emery-Dreifuss muscular dystrophy. Last evaluated: 2019-11-21. Review status: criteria provided, single submitter. Criteria: Invitae Variant Classification Sherloc (09022015). Collection method: clinical testing. Allele origin: germline.
Comment: In summary, the available evidence is currently insufficient to determine the role of this variant in disease. Therefore, it has been classified as a Variant of Uncertain Significance. Algorithms developed to predict the effect of missense changes on protein structure and function output the following: SIFT: "Tolerated"; PolyPhen-2: "Benign"; Align-GVGD: "Class C0". The arginine amino acid residue is found in multiple mammalian species, suggesting that this missense change does not adversely affect protein function. These predictions have not been confirmed by published functional studies and their clinical significance is uncertain. This variant has not been reported in the literature in individuals with SUN2-related conditions. This variant is not present in population databases (ExAC no frequency). This sequence change replaces histidine with arginine at codon 90 of the SUN2 protein (p.His90Arg). The histidine residue is weakly conserved and there is a small physicochemical difference between histidine and arginine.